The following is an entry in ClinVar:

NM_001481.3(DRC4):c.1388G>C (p.Gly463Ala)

Gene: DRC4 (dynein regulatory complex subunit 4; plus strand). Cytogenetic location: 16q24.3.
Variant type: single nucleotide variant.
Coding change: c.1388G>C on transcript NM_001481.3 (MANE Select); coding-DNA position 1388, G replaced by C.
Protein change: p.Gly463Ala; replaces glycine 463 with alanine.
Molecular consequence: missense variant. On other transcripts: non-coding transcript variant (1).
Genome position (GRCh38, 1-based): chr16:90,043,296, G>C. VCF-style: chr16-90043296-G-C. GRCh37 (hg19) VCF-style: chr16-90109704-G-C.
Other names: c.1139G>C, p.Gly380Ala (NM_001286205.2); c.812G>C, p.Gly271Ala (NM_001286208.2); c.1313G>C, p.Gly438Ala (NM_001286209.2); short protein forms G271A, G380A, G463A, G438A.
Identifiers: ClinVar variation 2790895 (VCV002790895.3), dbSNP rs778505539, ClinGen allele CA8258254.

ClinVar aggregate classification (germline): Uncertain significance (1 of 4 stars; one submission).

Conditions:
Primary ciliary dyskinesia 33. Also called: CILIARY DYSKINESIA, PRIMARY, 33, WITHOUT SITUS INVERSUS. Identifiers: Orphanet 244, MedGen C4225230, MONDO:0014750, OMIM 616726.

Allele frequency attached by ClinVar (database versions not stated): TOPMed below 0.00001; ExAC 0.00001.
gnomAD v4.1: 4 of 1,613,330 alleles (0.00025%); highest among the groups gnomAD compares: Non-Finnish European, 0.00034%; no homozygotes.

Submission:

Labcorp Genetics (formerly Invitae), Labcorp
Classification: Uncertain significance for Primary ciliary dyskinesia 33. Last evaluated: 2023-08-11. Review status: criteria provided, single submitter. Criteria: Invitae Variant Classification Sherloc (09022015). Collection method: clinical testing. Allele origin: germline.
Comment: In summary, the available evidence is currently insufficient to determine the role of this variant in disease. Therefore, it has been classified as a Variant of Uncertain Significance. An algorithm developed to predict the effect of missense changes on protein structure and function (PolyPhen-2) suggests that this variant is likely to be tolerated. This variant has not been reported in the literature in individuals affected with GAS8-related conditions. This variant is not present in population databases (gnomAD no frequency). This sequence change replaces glycine, which is neutral and non-polar, with alanine, which is neutral and non-polar, at codon 463 of the GAS8 protein (p.Gly463Ala).